The following is an entry in ClinVar:

NM_001999.4(FBN2):c.7822A>T (p.Thr2608Ser)

Gene: FBN2 (fibrillin 2; minus strand). Cytogenetic location: 5q23.3.
Variant type: single nucleotide variant.
Coding change: c.7822A>T on transcript NM_001999.4 (MANE Select); coding-DNA position 7822, A replaced by T.
Protein change: p.Thr2608Ser; replaces threonine 2608 with serine.
Molecular consequence: missense variant.
Genome position (GRCh38, 1-based): chr5:128,273,858, T>A on the plus strand (A>T on the coding strand, the complement: FBN2 is on the minus strand). VCF-style: chr5-128273858-T-A. GRCh37 (hg19) VCF-style: chr5-127609550-T-A.
Other names: short protein forms T2608S.
Identifiers: ClinVar variation 643474 (VCV000643474.11), dbSNP rs762538141, ClinGen allele CA3394012.

ClinVar aggregate classification (germline): Uncertain significance. Review status: criteria provided, multiple submitters, no conflicts (2 of 4 stars). 3 submissions from 3 submitters: Uncertain significance (3). Last evaluated 2026-06-12.

Conditions:
Congenital contractural arachnodactyly (CCA). Also called: BEALS SYNDROME; Arthrogryposis, distal, type 9; Beals-Hecht syndrome. Identifiers: Orphanet 115, MedGen C0220668, MONDO:0007363, OMIM 121050.
Familial thoracic aortic aneurysm and aortic dissection (TAAD). Also called: Thoracic aortic aneurysms and dissections. Identifiers: Orphanet 91387, MedGen C4707243, MONDO:0019625.

Allele frequency attached by ClinVar (database versions not stated): ExAC 0.00001.
gnomAD v4.1: 1 of 1,614,000 alleles (0.000062%); highest among the groups gnomAD compares: Non-Finnish European, 0.000085%; no homozygotes.

Submissions (3):

Ambry Genetics
Classification: Uncertain significance for Familial thoracic aortic aneurysm and aortic dissection. Last evaluated: 2026-06-12. Review status: criteria provided, single submitter. Criteria: Ambry Variant Classification Scheme 2023. Collection method: clinical testing. Allele origin: germline.
Comment: The p.T2608S variant (also known as c.7822A>T), located in coding exon 61 of the FBN2 gene, results from an A to T substitution at nucleotide position 7822. The threonine at codon 2608 is replaced by serine, an amino acid with similar properties. This amino acid position is conserved. In addition, this alteration is predicted to be tolerated by in silico analysis. Based on the available evidence, the clinical significance of this variant remains unclear.

Women's Health and Genetics/Laboratory Corporation of America, LabCorp
Classification: Uncertain significance. Last evaluated: 2025-05-30. Review status: criteria provided, single submitter. Criteria: LabCorp Variant Classification Summary - May 2015. Collection method: clinical testing. Allele origin: germline.

Labcorp Genetics (formerly Invitae), Labcorp
Classification: Uncertain significance for Congenital contractural arachnodactyly. Last evaluated: 2018-10-10. Review status: criteria provided, single submitter. Criteria: Invitae Variant Classification Sherloc (09022015). Collection method: clinical testing. Allele origin: germline.
Comment: In summary, the available evidence is currently insufficient to determine the role of this variant in disease. Therefore, it has been classified as a Variant of Uncertain Significance. Algorithms developed to predict the effect of missense changes on protein structure and function output the following: SIFT: "Tolerated"; PolyPhen-2: "Benign"; Align-GVGD: "Class C0". The serine amino acid residue is found in multiple mammalian species, suggesting that this missense change does not adversely affect protein function. These predictions have not been confirmed by published functional studies and their clinical significance is uncertain. This variant has not been reported in the literature in individuals with FBN2-related disease. This variant is present in population databases (rs762538141, ExAC 0.002%). This sequence change replaces threonine with serine at codon 2608 of the FBN2 protein (p.Thr2608Ser). The threonine residue is moderately conserved and there is a small physicochemical difference between threonine and serine.